The following is an entry in ClinVar:

ClinVar aggregate classification (germline): Uncertain significance (1 of 4 stars; one submission).

Conditions:
Acromesomelic dysplasia 1, Maroteaux type (AMD1). Also called: ST. HELENA DYSPLASIA; ACROMESOMELIC DYSPLASIA 1. Identifiers: Orphanet 40, MedGen C1864356, MONDO:0011275, OMIM 602875.
Tall stature-scoliosis-macrodactyly of the great toes syndrome. Also called: Epiphyseal chondrodysplasia, miura type. Identifiers: Orphanet 329191, MedGen C4014690, MONDO:0014401, OMIM 615923.

Allele frequency attached by ClinVar (database versions not stated): TOPMed below 0.00001; gnomAD 0.00001; gnomAD exomes 0.00001.
gnomAD v4.1: 12 of 1,614,110 alleles (0.00074%); highest among the groups gnomAD compares: Non-Finnish European, 0.00093%; no homozygotes.

Submission:

Labcorp Genetics (formerly Invitae), Labcorp
Classification: Uncertain significance for Tall stature-scoliosis-macrodactyly of the great toes syndrome; Acromesomelic dysplasia 1, Maroteaux type. Last evaluated: 2024-10-22. Review status: criteria provided, single submitter. Criteria: Invitae Variant Classification Sherloc (09022015). Collection method: clinical testing. Allele origin: germline.
Comment: This sequence change replaces tyrosine, which is neutral and polar, with histidine, which is basic and polar, at codon 254 of the NPR2 protein (p.Tyr254His). This variant is not present in population databases (gnomAD no frequency). This variant has not been reported in the literature in individuals affected with NPR2-related conditions. ClinVar contains an entry for this variant (Variation ID: 2160347). Invitae Evidence Modeling of protein sequence and biophysical properties (such as structural, functional, and spatial information, amino acid conservation, physicochemical variation, residue mobility, and thermodynamic stability) indicates that this missense variant is not expected to disrupt NPR2 protein function with a negative predictive value of 80%. In summary, the available evidence is currently insufficient to determine the role of this variant in disease. Therefore, it has been classified as a Variant of Uncertain Significance.

NM_003995.4(NPR2):c.760T>C (p.Tyr254His)

Gene: NPR2 (natriuretic peptide receptor 2; plus strand). Cytogenetic location: 9p13.3.
Variant type: single nucleotide variant.
Coding change: c.760T>C on transcript NM_003995.4 (MANE Select); coding-DNA position 760, T replaced by C.
Protein change: p.Tyr254His; replaces tyrosine 254 with histidine.
Molecular consequence: missense variant.
Genome position (GRCh38, 1-based): chr9:35,793,990, T>C. VCF-style: chr9-35793990-T-C. GRCh37 (hg19) VCF-style: chr9-35793987-T-C.
Other names: c.760T>C, p.Tyr254His (NM_001378923.1); short protein forms Y254H.
Identifiers: ClinVar variation 2160347 (VCV002160347.4), dbSNP rs1031104361, ClinGen allele CA192762944.